The following is an entry in ClinVar:

ClinVar aggregate classification (germline): Uncertain significance (1 of 4 stars; one submission).

Conditions:
Cerebral creatine deficiency syndrome. Also called: Creatine deficiency syndromes. Identifiers: Orphanet 79172, MedGen C5244016, MONDO:0000456.

gnomAD v4.1: 1 of 1,612,782 alleles (0.000062%); highest among the groups gnomAD compares: Non-Finnish European, 0.000085%; no homozygotes.

Submission:

Labcorp Genetics (formerly Invitae), Labcorp
Classification: Uncertain significance for Cerebral creatine deficiency syndrome. Last evaluated: 2022-07-14. Review status: criteria provided, single submitter. Criteria: Invitae Variant Classification Sherloc (09022015). Collection method: clinical testing. Allele origin: germline.
Comment: This sequence change replaces glutamic acid, which is acidic and polar, with glycine, which is neutral and non-polar, at codon 176 of the GAMT protein (p.Glu176Gly). This variant is not present in population databases (gnomAD no frequency). This variant has not been reported in the literature in individuals affected with GAMT-related conditions. Algorithms developed to predict the effect of missense changes on protein structure and function are either unavailable or do not agree on the potential impact of this missense change (SIFT: "Deleterious"; PolyPhen-2: "Benign"; Align-GVGD: "Class C0"). In summary, the available evidence is currently insufficient to determine the role of this variant in disease. Therefore, it has been classified as a Variant of Uncertain Significance.

NM_000156.6(GAMT):c.527A>G (p.Glu176Gly)

Gene: GAMT (guanidinoacetate N-methyltransferase; minus strand). Cytogenetic location: 19p13.3.
Variant type: single nucleotide variant.
Coding change: c.527A>G on transcript NM_000156.6 (MANE Select); coding-DNA position 527, A replaced by G.
Protein change: p.Glu176Gly; replaces glutamic acid 176 with glycine.
Molecular consequence: missense variant.
Genome position (GRCh38, 1-based): chr19:1,398,959, T>C on the plus strand (A>G on the coding strand, the complement: GAMT is on the minus strand). VCF-style: chr19-1398959-T-C. GRCh37 (hg19) VCF-style: chr19-1398958-T-C.
Other names: c.527A>G, p.Glu176Gly (NM_138924.3); short protein forms E176G.
Identifiers: ClinVar variation 2012541 (VCV002012541.4), dbSNP rs796052526, ClinGen allele CA402994329.